The following is an entry in ClinVar:

NC_000009.11:g.(?_214957)_(271749_?)dup

Genes: DOCK8 (dedicator of cytokinesis 8; plus strand), DOCK8-AS1 (DOCK8 antisense RNA 1; minus strand), LOC130001437 (ATAC-STARR-seq lymphoblastoid silent region 19722; plus strand), LOC130001438 (ATAC-STARR-seq lymphoblastoid silent region 19723; plus strand). Cytogenetic location: 9p24.3.
Variant type: Duplication.
Identifiers: ClinVar variation 536620 (VCV000536620.3).

ClinVar aggregate classification (germline): Uncertain significance (1 of 4 stars; one submission).

Conditions:
Combined immunodeficiency due to DOCK8 deficiency (HIES2). Also called: HIES autosomal recessive; HYPER-IgE RECURRENT INFECTION SYNDROME 2, AUTOSOMAL RECESSIVE; Hyper-IgE recurrent infection syndrome, autosomal recessive; HYPER-IgE SYNDROME 2, AUTOSOMAL RECESSIVE, WITH RECURRENT INFECTIONS; DOCK8 Deficiency. Identifiers: Orphanet 217390, MedGen C4722305, MONDO:0009478, OMIM 243700.

Submission:

Labcorp Genetics (formerly Invitae), Labcorp
Classification: Uncertain significance for Hyper-Immunoglobulin E Syndrome, Autosomal Recessive. Last evaluated: 2019-11-27. Review status: criteria provided, single submitter. Criteria: Invitae Variant Classification Sherloc (09022015). Collection method: clinical testing. Allele origin: germline.
Comment: This variant results in a copy number gain of the genomic region encompassing exons 1-2 of the DOCK8 gene. The 5' end of this event is unknown as it extends beyond the assayed region for this gene and therefore may encompass additional genes. The 3' boundary is likely confined to intron 2 of the DOCK8 gene. As the precise location of this event is unknown, it may be in tandem or it may be located elsewhere in the genome. This variant has not been reported in the literature in individuals with DOCK8-related disease. In summary, the available evidence is currently insufficient to determine the role of this variant in disease. Therefore, it has been classified as a Variant of Uncertain Significance.